The following is an entry in ClinVar:

NM_002880.4(RAF1):c.1685G>T (p.Gly562Val)

Gene: RAF1 (Raf-1 proto-oncogene, serine/threonine kinase; minus strand). Cytogenetic location: 3p25.2.
Variant type: single nucleotide variant.
Coding change: c.1685G>T on transcript NM_002880.4 (MANE Select); coding-DNA position 1685, G replaced by T.
Protein change: p.Gly562Val; replaces glycine 562 with valine.
Molecular consequence: missense variant. On other transcripts: non-coding transcript variant (3).
Genome position (GRCh38, 1-based): chr3:12,584,965, C>A on the plus strand (G>T on the coding strand, the complement: RAF1 is on the minus strand). VCF-style: chr3-12584965-C-A. GRCh37 (hg19) VCF-style: chr3-12626464-C-A.
Other names: c.1745G>T, p.Gly582Val (NM_001354689.3); c.1685G>T, p.Gly562Val (NM_001354690.3); c.1442G>T, p.Gly481Val (NM_001354691.3, NM_001354692.3); c.1586G>T, p.Gly529Val (NM_001354693.3); c.1502G>T, p.Gly501Val (NM_001354694.3); c.1343G>T, p.Gly448Val (NM_001354695.3); short protein forms G562V, G582V, G529V, G448V, G481V, G501V.
Identifiers: ClinVar variation 561970 (VCV000561970.4), dbSNP rs746937683, ClinGen allele CA2259430.

ClinVar aggregate classification (germline): Uncertain significance. Review status: criteria provided, multiple submitters, no conflicts (2 of 4 stars). 2 submissions from 2 submitters: Uncertain significance (2). Last evaluated 2025-11-09.

Conditions:
RASopathy. Also called: Noonan spectrum disorder; rasopathies. Identifiers: Orphanet 536391, MedGen C5555857, MONDO:0021060.

Allele frequency attached by ClinVar (database versions not stated): gnomAD exomes below 0.00001 and 0.00001; ExAC 0.00001; TOPMed 0.00003; gnomAD 0.00001.
gnomAD v4.1: 3 of 1,613,980 alleles (0.00019%); highest among the groups gnomAD compares: African/African-American, 0.004%; no homozygotes.

Submissions (2):

Labcorp Genetics (formerly Invitae), Labcorp
Classification: Uncertain significance for RASopathy. Last evaluated: 2025-11-09. Review status: criteria provided, single submitter. Criteria: Invitae Variant Classification Sherloc (09022015). Collection method: clinical testing. Allele origin: germline.
Comment: This sequence change replaces glycine, which is neutral and non-polar, with valine, which is neutral and non-polar, at codon 562 of the RAF1 protein (p.Gly562Val). This variant is present in population databases (rs746937683, gnomAD 0.01%). This missense change has been observed in individual(s) with dilated cardiomyopathy (internal data). ClinVar contains an entry for this variant (Variation ID: 561970). Invitae Evidence Modeling incorporating data from in vitro experimental studies (internal data) indicates that this missense variant is not expected to disrupt RAF1 function with a negative predictive value of 95%. In summary, the available evidence is currently insufficient to determine the role of this variant in disease. Therefore, it has been classified as a Variant of Uncertain Significance.

GeneDx
Classification: Uncertain significance. Last evaluated: 2018-08-21. Review status: criteria provided, single submitter. Criteria: GeneDx Variant Classification (06012015). Collection method: clinical testing. Allele origin: germline. Affected: yes.
Comment: The G562V variant has not been published as pathogenic or been reported as benign to our knowledge. This variant is observed in 2/15304 (0.01%) alleles from individuals of African ancestry in large population cohorts (Lek et al., 2016). In-silico analyses, including protein predictors and evolutionary conservation, support a deleterious effect. However, the G562V variant is a conservative amino acid substitution, which is not likely to impact secondary protein structure as these residues share similar properties. Additional evidence is needed to clarify pathogenicity, including observation in a significant number of affected individuals, segregation data, and functional evidence.